The following is an entry in ClinVar:

ClinVar aggregate classification (germline): Uncertain significance (1 of 4 stars; one submission).

Conditions:
Cardiovascular phenotype. Identifiers: MedGen CN230736.

Submission:

Ambry Genetics
Classification: Uncertain significance for Cardiovascular phenotype. Last evaluated: 2023-07-13. Review status: criteria provided, single submitter. Criteria: Ambry Variant Classification Scheme 2023. Collection method: clinical testing. Allele origin: germline.
Comment: The p.L648F variant (also known as c.1942C>T), located in coding exon 13 of the ABCG5 gene, results from a C to T substitution at nucleotide position 1942. The leucine at codon 648 is replaced by phenylalanine, an amino acid with highly similar properties. This amino acid position is conserved. In addition, this alteration is predicted to be tolerated by in silico analysis. Since supporting evidence is limited at this time, the clinical significance of this alteration remains unclear.

NM_022436.3(ABCG5):c.1942C>T (p.Leu648Phe)

Genes: ABCG5 (ATP binding cassette subfamily G member 5; minus strand), DYNC2LI1 (dynein cytoplasmic 2 light intermediate chain 1; plus strand). Cytogenetic location: 2p21.
Variant type: single nucleotide variant.
Coding change: c.1942C>T on transcript NM_022436.3 (MANE Select); coding-DNA position 1942, C replaced by T.
Protein change: p.Leu648Phe; replaces leucine 648 with phenylalanine.
Molecular consequence: missense variant. On other transcripts: intron variant (2).
Genome position (GRCh38, 1-based): chr2:43,813,130, G>A on the plus strand (C>T on the coding strand, the complement: ABCG5 is on the minus strand). VCF-style: chr2-43813130-G-A. GRCh37 (hg19) VCF-style: chr2-44040269-G-A.
Other names: c.*15+2606G>A (NM_001348913.2, NM_001348912.2); short protein forms L648F.
Identifiers: ClinVar variation 2625955 (VCV002625955.2), dbSNP rs2467123505, ClinGen allele CA346661738.